The following is an entry in ClinVar:

ClinVar aggregate classification (germline): Pathogenic/Likely pathogenic. Review status: criteria provided, multiple submitters, no conflicts (2 of 4 stars). 12 submissions from 11 submitters: Pathogenic (6); Likely pathogenic (3). 3 of the submissions do not count toward it. Last evaluated 2025-12-08.

Conditions:
Inborn genetic diseases. Identifiers: MedGen C0950123, MeSH D030342.
Neuronal ceroid lipofuscinosis 8 (CLN8). Also called: CLN8-Related Neuronal Ceroid-Lipofuscinosis. Identifiers: Orphanet 168491, Orphanet 228354, Orphanet 79264, MedGen C1838570, MONDO:0010830, OMIM 600143.
Neuronal ceroid lipofuscinosis 8 northern epilepsy variant. Also called: NORTHERN EPILEPSY; EPILEPSY, PROGRESSIVE, WITH MENTAL RETARDATION. Identifiers: Orphanet 1947, MedGen C1864923, MONDO:0012391, OMIM 610003.
Neuronal ceroid lipofuscinosis. Also called: Neuronal Ceroid Lipofuscinoses. Identifiers: Orphanet 216, Orphanet 79263, MedGen C0027877, MONDO:0016295. Disease mechanism: loss of function.

Allele frequency attached by ClinVar (database versions not stated): gnomAD 0.00001; gnomAD exomes 0.00001; TOPMed 0.00001; ExAC 0.00002.
gnomAD v4.1: 18 of 1,613,980 alleles (0.0011%); highest among the groups gnomAD compares: South Asian, 0.0066%; no homozygotes.

Submissions (12):

3billion
Classification: Pathogenic for Neuronal ceroid lipofuscinosis 8. Last evaluated: 2025-12-08. Review status: criteria provided, single submitter. Criteria: ACMG Guidelines, 2015. Collection method: clinical testing. Allele origin: germline. Affected: yes.
Comment: The variant is observed at an extremely low frequency in the gnomAD v4.1.0 dataset (total allele frequency: 0.001%). Predicted Consequence/Location: Missense variant In silico tool predictions suggest damaging effect of the variant on gene or gene product [REVEL: 0.79 (>=0.6, sensitivity 0.68 and specificity 0.92)]. The same nucleotide change resulting in the same amino acid change has been previously reported as pathogenic/likely pathogenic with strong evidence (ClinVar ID: VCV000056710 /PMID: 16570191). The variant has been reported to be in trans with a pathogenic variant as either compound heterozygous or homozygous in at least one similarly affected unrelated individual (PMID: 36011304). A different missense change at the same codon (p.Tyr158Ser) has been reported to be associated with CLN8-related disorder (ClinVar ID: VCV000802387). Therefore, this variant is classified as Pathogenic according to the recommendation of ACMG/AMP guideline.

Natera, Inc.
Classification: Pathogenic for Neuronal ceroid lipofuscinosis 8. Last evaluated: 2025-07-24. Review status: criteria provided, single submitter. Criteria: Natera Variant Classification Schema (03/2026). Collection method: clinical testing. Allele origin: germline.
Comment: The c.473A>G variant in CLN8 is a missense variant predicted to cause substitution of tyrosine to cysteine at amino acid 158. This variant is rare in the general population with a frequency below the threshold expected for the associated phenotype(s). This variant has been observed in one or more individuals affected with the associated recessive disease, as either homozygous or compound heterozygous with a second variant (PMID: 26075876, 31741823, 16570191). Given the available evidence, this variant is classified as Pathogenic.

Labcorp Genetics (formerly Invitae), Labcorp
Classification: Pathogenic for Neuronal ceroid lipofuscinosis. Last evaluated: 2025-02-24. Review status: criteria provided, single submitter. Criteria: Invitae Variant Classification Sherloc (09022015). Collection method: clinical testing. Allele origin: germline.
Comment: This sequence change replaces tyrosine, which is neutral and polar, with cysteine, which is neutral and slightly polar, at codon 158 of the CLN8 protein (p.Tyr158Cys). This variant is present in population databases (rs386834130, gnomAD 0.003%). This missense change has been observed in individual(s) with neuronal ceroid lipofuscinosis (PMID: 16570191, 21990111). In at least one individual the data is consistent with being in trans (on the opposite chromosome) from a pathogenic variant. ClinVar contains an entry for this variant (Variation ID: 56710). Invitae Evidence Modeling of protein sequence and biophysical properties (such as structural, functional, and spatial information, amino acid conservation, physicochemical variation, residue mobility, and thermodynamic stability) has been performed for this missense variant. However, the output from this modeling did not meet the statistical confidence thresholds required to predict the impact of this variant on CLN8 protein function. Experimental studies have shown that this missense change affects CLN8 function (PMID: 19431184). For these reasons, this variant has been classified as Pathogenic.

Fulgent Genetics
Classification: Likely pathogenic for Neuronal ceroid lipofuscinosis 8; Neuronal ceroid lipofuscinosis 8 northern epilepsy variant. Last evaluated: 2024-03-20. Review status: criteria provided, single submitter. Criteria: ACMG Guidelines, 2015. Collection method: clinical testing. Allele origin: germline.

Genomic Medicine Center of Excellence, King Faisal Specialist Hospital and Research Centre
Classification: Pathogenic for Ceroid lipofuscinosis, neuronal, 8. Last evaluated: 2024-03-14. Review status: criteria provided, single submitter. Criteria: ACMG Guidelines, 2015. Collection method: clinical testing. Allele origin: germline.

Women's Health and Genetics/Laboratory Corporation of America, LabCorp
Classification: Pathogenic for Neuronal ceroid lipofuscinosis. Last evaluated: 2023-11-06. Review status: criteria provided, single submitter. Criteria: LabCorp Variant Classification Summary - May 2015. Collection method: clinical testing. Allele origin: germline.
Comment: Variant summary: CLN8 c.473A>G (p.Tyr158Cys) results in a non-conservative amino acid change located in the TRAM/LAG1/CLN8 homology domain (IPR006634) of the encoded protein sequence. Five of five in-silico tools predict a damaging effect of the variant on protein function. The variant allele was found at a frequency of 8e-06 in 251456 control chromosomes (gnomAD). c.473A>G has been reported in the literature in multiple individuals affected with CLN8-related neuronal ceroid lipofuscinosis (examples: Cannelli_2006, DiFruscio_2015, Jilani_2019, Sharkia_2022). These data indicate that the variant is very likely to be associated with disease. The following publications have been ascertained in the context of this evaluation (PMID: 16570191, 26075876, 36011304, 31741823). Four submitters have cited clinical-significance assessments for this variant to ClinVar after 2014. All submitters classified the variant as pathogenic/likely pathogenic. Based on the evidence outlined above, the variant was classified as pathogenic.

Ambry Genetics
Classification: Likely pathogenic for Inborn genetic diseases. Last evaluated: 2022-03-15. Review status: criteria provided, single submitter. Criteria: Ambry Variant Classification Scheme 2023. Collection method: clinical testing. Allele origin: germline.
Comment: The c.473A>G (p.Y158C) alteration is located in exon 2 (coding exon 1) of the CLN8 gene. This alteration results from a A to G substitution at nucleotide position 473, causing the tyrosine (Y) at amino acid position 158 to be replaced by a cysteine (C). Based on data from gnomAD, the G allele has an overall frequency of <0.01% (2/251456) total alleles studied. The highest observed frequency was <0.01% (1/30616) of South Asian alleles. This alteration has been detected in the homozygous state, and in conjunction with another pathogenic mutation in CLN8, in several unrelated individuals with CLN8-related neuronal ceroid lipofuscinosis (Kousi, 2012; Cannelli, 2006; Di Fruscio, 2015; Jilani, 2019). This amino acid position is well conserved in available vertebrate species. The in silico prediction for this alteration is inconclusive. Based on the available evidence, this alteration is classified as likely pathogenic.

Juno Genomics, Hangzhou Juno Genomics, Inc
Classification: Likely pathogenic for Neuronal ceroid lipofuscinosis 8; Neuronal ceroid lipofuscinosis 8 northern epilepsy variant. Review status: criteria provided, single submitter. Criteria: ACMG Guidelines, 2015. Collection method: clinical testing. Allele origin: germline. Affected: yes.
Comment: Absent from controls (or at extremely low frequency if recessive) in Genome Aggregation Database, Exome Sequencing Project, 1000 Genomes Project, or Exome Aggregation Consortium.;Multiple lines of computational evidence support a deleterious effect on the gene or gene product (conservation, evolutionary, splicing impact, etc).;For recessive disorders, detected in trans with a pathogenic variant.;Patient's phenotype or family history is highly specific for a disease with a single genetic etiology.

Neuberg Centre For Genomic Medicine, NCGM
Classification: Pathogenic for Neuronal ceroid lipofuscinosis 8. Review status: criteria provided, single submitter. Criteria: ACMG Guidelines, 2015. Collection method: clinical testing. Allele origin: germline. Affected: yes.
Comment: The missense variant c.473A>G (p.Tyr158Cys) in CLN8 gene has been previously observed in individual(s) with neuronal ceroid lipofuscinosis (Cannelli et al. 2006, Kousi et al. 2012). In at least one individual the data is consistent with the variant being in trans from a pathogenic variant. This variant has been previously reported to affect CLN8 protein function (Vantaggiato et al. 2009). The p.Tyr158Cys variant is novel (not in any individuals) in 1000 Genomes and is present in the gnomAD exomes database with a frequency of 0.0008%. This variant has been reported to the ClinVar database as Likely Pathogenic. The amino acid Tyr at position 158 is changed to a Cys changing protein sequence and it might alter its composition and physico-chemical properties. The variant is predicted to be damaging by both SIFT and PolyPhen2. The residue is conserved across species. The amino acid change p.Tyr158Cys in CLN8 is predicted as conserved by GERP++ and PhyloP across 100 vertebrates. For these reasons, this variant has been classified as Pathogenic.

Hong-Tao Li Lab, Institute of Brain Science and Brain-inspired Research, Shandong First Medical University & Shandong Academy of Medical Sciences China
Classification: Pathogenic for Neuronal ceroid lipofuscinosis 8. Review status: no assertion criteria provided. Collection method: research. Allele origin: germline. Inheritance: Autosomal recessive inheritance. Affected: yes. Observed: 1 variant allele, 1 homozygote. Not counted in ClinVar's aggregate classification.
Comment: Observed in affected individuals from a Pakistani neurodevelopmental-disorder research cohort of 263 individuals. Classification assigned using the ACMG/AMP framework. Population-frequency evidence: gnomAD AF 7.954e-06.

Hong-Tao Li Lab, Institute of Brain Science and Brain-inspired Research, Shandong First Medical University & Shandong Academy of Medical Sciences China
Classification: Pathogenic for Neuronal ceroid lipofuscinosis 8 northern epilepsy variant. Review status: no assertion criteria provided. Collection method: research. Allele origin: germline. Inheritance: Autosomal recessive inheritance. Affected: yes. Observed: 1 variant allele, 1 homozygote. Not counted in ClinVar's aggregate classification.
Comment: the same text as in the submission from Hong-Tao Li Lab, Institute of Brain Science and Brain-inspired Research, Shandong First Medical University & Shandong Academy of Medical Sciences China above.

Juha Muilu Group; Institute for Molecular Medicine Finland (FIMM)
Classification: Likely pathogenic for Ceroid lipofuscinosis neuronal 8. Review status: no assertion criteria provided. Collection method: not provided. Allele origin: unknown. Not counted in ClinVar's aggregate classification.
Comment: FinDis database variant: This variant was not found or characterized by our laboratory, data were collected from public sources: see reference
ClinVar note: Converted during submission from probable-pathogenic to Likely pathogenic.

Literature cited by the submitters: PubMed 16570191 (cited by 5 submitters); PubMed 36011304 (cited by 3billion and Women's Health and Genetics/Laboratory Corporation of America, LabCorp); PubMed 26075876 (cited by 3 submitters); PubMed 31741823 (cited by 3 submitters); PubMed 21990111 (cited by Labcorp Genetics (formerly Invitae), Labcorp and Ambry Genetics); PubMed 19431184 (cited by Labcorp Genetics (formerly Invitae), Labcorp).

NM_018941.4(CLN8):c.473A>G (p.Tyr158Cys)

Gene: CLN8 (CLN8 transmembrane ER and ERGIC protein; plus strand). Cytogenetic location: 8p23.3.
Variant type: single nucleotide variant.
Coding change: c.473A>G on transcript NM_018941.4 (MANE Select); coding-DNA position 473, A replaced by G.
Protein change: p.Tyr158Cys; replaces tyrosine 158 with cysteine.
Molecular consequence: missense variant.
Genome position (GRCh38, 1-based): chr8:1,771,527, A>G. VCF-style: chr8-1771527-A-G. GRCh37 (hg19) VCF-style: chr8-1719693-A-G.
Other names: short protein forms Y158C.
Identifiers: ClinVar variation 56710 (VCV000056710.24), dbSNP rs386834130, ClinGen allele CA264172.